The following is an entry in ClinVar:

ClinVar aggregate classification (germline): Likely pathogenic. Review status: criteria provided, multiple submitters, no conflicts (2 of 4 stars). 5 submissions from 5 submitters: Likely pathogenic (5). Last evaluated 2025-11-19.

Conditions:
Hereditary cancer-predisposing syndrome. Also called: Tumor predisposition; Hereditary neoplastic syndrome; Neoplastic Syndromes, Hereditary; Hereditary Cancer Syndrome. Identifiers: Orphanet 140162, MedGen C0027672, MeSH D009386, MONDO:0015356.
Bloom syndrome (BLM). Also called: Bloom-Torre-Machacek syndrome. Identifiers: Orphanet 125, MedGen C0005859, MONDO:0008876, OMIM 210900.

Allele frequency attached by ClinVar (database versions not stated): gnomAD exomes below 0.00001; ExAC 0.00001.
gnomAD v4.1: 1 of 1,614,152 alleles (0.000062%); highest among the groups gnomAD compares: Non-Finnish European, 0.000085%; no homozygotes.

Submissions (5):

Natera, Inc.
Classification: Likely pathogenic for Bloom syndrome. Last evaluated: 2025-11-19. Review status: criteria provided, single submitter. Criteria: Natera Variant Classification Schema (03/2026). Collection method: clinical testing. Allele origin: germline.
Comment: The c.2702G>A variant in BLM is a missense variant predicted to cause substitution of cysteine to tyrosine at amino acid 901. This variant is rare in the general population with a frequency below the threshold expected for the associated phenotype(s). This variant has been observed in one or more individuals affected with the associated recessive disease, as either homozygous or compound heterozygous with a second variant (PMID: 11281456). This variant has been identified in one or more affected individual with a phenotype highly consistent with the associated gene (PMID: 11281456). Functional studies show that this variant may disrupt protein function (PMID: 17878217). Computational prediction algorithms indicate this variant is likely to affect gene or protein function. Given the available evidence, this variant is classified as Likely Pathogenic.

Labcorp Genetics (formerly Invitae), Labcorp
Classification: Likely pathogenic for Bloom syndrome. Last evaluated: 2025-08-13. Review status: criteria provided, single submitter. Criteria: Invitae Variant Classification Sherloc (09022015). Collection method: clinical testing. Allele origin: germline.
Comment: This sequence change replaces cysteine, which is neutral and slightly polar, with tyrosine, which is neutral and polar, at codon 901 of the BLM protein (p.Cys901Tyr). This variant is present in population databases (rs758311406, gnomAD 0.0009%). This missense change has been observed in individual(s) with Bloom syndrome (PMID: 7485150, 11281456, 17407155). ClinVar contains an entry for this variant (Variation ID: 952488). Invitae Evidence Modeling of protein sequence and biophysical properties (such as structural, functional, and spatial information, amino acid conservation, physicochemical variation, residue mobility, and thermodynamic stability) indicates that this missense variant is expected to disrupt BLM protein function with a positive predictive value of 80%. Experimental studies have shown that this missense change affects BLM function (PMID: 17878217). In summary, the currently available evidence indicates that the variant is pathogenic, but additional data are needed to prove that conclusively. Therefore, this variant has been classified as Likely Pathogenic.

Ambry Genetics
Classification: Likely pathogenic for Hereditary cancer-predisposing syndrome. Last evaluated: 2024-02-15. Review status: criteria provided, single submitter. Criteria: Ambry Variant Classification Scheme 2023. Collection method: clinical testing. Allele origin: germline.
Comment: The p.C901Y variant (also known as c.2702G>A), located in coding exon 13 of the BLM gene, results from a G to A substitution at nucleotide position 2702. The cysteine at codon 901 is replaced by tyrosine, an amino acid with highly dissimilar properties. An individual diagnosed with Bloom Syndrome was identified to carry this alteration in the homozygous state (German J et al. Hum Mutat, 2007 Aug;28:743-53). This alteration showed strong reduction in helicase and ATPase activity, and deficient binding to DNA, but no deficiency in ATP binding or strand annealing capabilities (Guo RB et al. Nucleic Acids Res, 2007 Sep;35:6297-310). Additionally, internal structural analysis of this variant shows that it is highly destabilizing to the local structure (Ambry internal data, Chen X et al. Elife, 2021 03;10:) and it is also predicted to be deleterious by in silico analysis. This amino acid position is highly conserved in available vertebrate species. This variant is considered to be rare based on population cohorts in the Genome Aggregation Database (gnomAD). Based on the majority of available evidence to date, this variant is likely to be pathogenic.

Women's Health and Genetics/Laboratory Corporation of America, LabCorp
Classification: Likely pathogenic for Bloom syndrome. Last evaluated: 2023-08-14. Review status: criteria provided, single submitter. Criteria: LabCorp Variant Classification Summary - May 2015. Collection method: clinical testing. Allele origin: germline.
Comment: Variant summary: BLM c.2702G>A (p.Cys901Tyr) results in a non-conservative amino acid change to a highly conserved residue (HGMD) located in the Helicase, C-terminal (IPR001650) of the encoded protein sequence. Five of five in-silico tools predict a damaging effect of the variant on protein function. The variant allele was found at a frequency of 4e-06 in 251442 control chromosomes (gnomAD). c.2702G>A has been reported in the literature in an individual affected with Bloom Syndrome (Ellis_2001, German_2007). These data indicate that the variant may be associated with disease. At least one publication reports experimental evidence evaluating an impact on protein function, finding the variant results in a loss of ATPase, helicase, and DNA binding activity (Guo_2007). The following publications have been ascertained in the context of this evaluation (PMID: 11281456, 17407155, 17878217). Three submitters have cited clinical-significance assessments for this variant to ClinVar after 2014, and classified it as likely pathogenic (n=2) or uncertain significance (n=1). Based on the evidence outlined above, the variant was classified as likely pathogenic.

GeneDx
Classification: Likely pathogenic. Last evaluated: 2022-03-01. Review status: criteria provided, single submitter. Criteria: GeneDx Variant Classification Process June 2021. Collection method: clinical testing. Allele origin: germline. Affected: yes.
Comment: Published functional studies demonstrate reduced ATPase and helicase activity by in vitro assay (Guo et al., 2007); Not observed at a significant frequency in large population cohorts (gnomAD); In silico analysis supports that this missense variant has a deleterious effect on protein structure/function; This variant is associated with the following publications: (PMID: 26788541, 17878217, 17407155, 10965492, 11281456, 32704157, 33357470)

Literature cited by the submitters: PubMed 11281456 (cited by 3 submitters); PubMed 17878217 (cited by 4 submitters); PubMed 7485150 (cited by Labcorp Genetics (formerly Invitae), Labcorp); PubMed 17407155 (cited by 3 submitters); PubMed 33647232 (cited by Ambry Genetics).

NM_000057.4(BLM):c.2702G>A (p.Cys901Tyr)

Gene: BLM (BLM RecQ like helicase; plus strand). Cytogenetic location: 15q26.1.
Variant type: single nucleotide variant.
Coding change: c.2702G>A on transcript NM_000057.4 (MANE Select); coding-DNA position 2702, G replaced by A.
Protein change: p.Cys901Tyr; replaces cysteine 901 with tyrosine.
Molecular consequence: missense variant.
Genome position (GRCh38, 1-based): chr15:90,784,960, G>A. VCF-style: chr15-90784960-G-A. GRCh37 (hg19) VCF-style: chr15-91328190-G-A.
Other names: c.2702G>A, p.Cys901Tyr (NM_001287246.2, NM_001287247.2); c.1577G>A, p.Cys526Tyr (NM_001287248.2); short protein forms C526Y, C901Y.
Identifiers: ClinVar variation 952488 (VCV000952488.15), dbSNP rs758311406, ClinGen allele CA7738860.